The following is an entry in ClinVar:

NM_000059.4(BRCA2):c.7673_7674dup (p.Phe2560fs)

Gene: BRCA2 (BRCA2 DNA repair associated; plus strand). Cytogenetic location: 13q13.1.
Variant type: Microsatellite.
Coding change: c.7673_7674dup on transcript NM_000059.4 (MANE Select); coding-DNA positions 7673 to 7674, 2 bases duplicated (AG; older notation c.7673_7674dupAG).
Protein change: p.Phe2560fs; shifts the reading frame from phenylalanine 2560.
Molecular consequence: frameshift variant.
Genome position (GRCh38, 1-based): chr13:32,357,797-32,357,798, AG duplicated; duplicating any 2 consecutive bases within chr13:32,357,795-32,357,798 gives the same sequence; the c. name uses the placement nearest the transcript's 3' end. VCF-style (leftmost placement, unchanged base first): chr13-32357794-C-CAG. GRCh37 (hg19) VCF-style: chr13-32931931-C-CAG.
Other names: c.7673_7674dupAG (NM_000059.3); short protein forms F2560fs.
Identifiers: ClinVar variation 254610 (VCV000254610.23), dbSNP rs80359672, ClinGen allele CA6941129.

ClinVar aggregate classification (germline): Pathogenic. Review status: reviewed by expert panel (3 of 4 stars). 2 submissions from 2 submitters: Pathogenic (1). 1 of the submissions does not count toward it. Last evaluated 2016-09-08.

Conditions:
Breast-ovarian cancer, familial, susceptibility to, 2 (BROVCA2). Also called: BRCA2 Hereditary Breast and Ovarian Cancer. Identifiers: Orphanet 145, MedGen C2675520, MONDO:0012933, OMIM 612555. Disease mechanism: loss of function.

Allele frequency attached by ClinVar (database versions not stated): TOPMed below 0.00001.

Submissions (2):

Evidence-based Network for the Interpretation of Germline Mutant Alleles (ENIGMA)
Classification: Pathogenic for Breast-ovarian cancer, familial, susceptibility to, 2. Last evaluated: 2016-09-08. Review status: reviewed by expert panel. Criteria: ENIGMA BRCA1/2 Classification Criteria (2015). Collection method: curation. Allele origin: germline.
Comment: Variant allele predicted to encode a truncated non-functional protein.

BRCAlab, Lund University
Classification: Pathogenic for Breast-ovarian cancer, familial, susceptibility to, 2. Last evaluated: 2022-08-26. Review status: no assertion criteria provided. Collection method: clinical testing. Allele origin: germline. Affected: yes. Not counted in ClinVar's aggregate classification.